The following is an entry in ClinVar:

ClinVar aggregate classification (germline): Uncertain significance (1 of 4 stars; one submission).

Conditions:
Epidermolysis bullosa simplex 3, localized or generalized intermediate, with BP230 deficiency (EBS3). Also called: Epidermolysis bullosa simplex, autosomal recessive 2; Epidermolysis bullosa simplex due to BP230 deficiency. Identifiers: Orphanet 412181, MedGen C3809470, MONDO:0014180, OMIM 615425.
Hereditary sensory and autonomic neuropathy type 6. Also called: Neuropathy, hereditary sensory and autonomic, type VI; HSAN VI. Identifiers: Orphanet 314381, MedGen C3539003, MONDO:0013839, OMIM 614653.

Allele frequency attached by ClinVar (database versions not stated): gnomAD exomes below 0.00001 and 0.00001; TOPMed 0.00001; ExAC 0.00002; ESP Exome Variant Server 0.00008.
gnomAD v4.1: 2 of 1,612,266 alleles (0.00012%); highest among the groups gnomAD compares: Admixed American, 0.0017%; no homozygotes.

Submission:

Labcorp Genetics (formerly Invitae), Labcorp
Classification: Uncertain significance for Epidermolysis bullosa simplex 3, localized or generalized intermediate, with BP230 deficiency; Hereditary sensory and autonomic neuropathy type 6. Last evaluated: 2020-05-14. Review status: criteria provided, single submitter. Criteria: Invitae Variant Classification Sherloc (09022015). Collection method: clinical testing. Allele origin: germline.
Comment: This sequence change replaces alanine with serine at codon 2032 of the DST protein (p.Ala2032Ser). The alanine residue is moderately conserved and there is a moderate physicochemical difference between the two amino acids. The DST gene has multiple clinically relevant transcripts. This variant occurs in alternate transcript NM_015548.4, and corresponds to NM_001723.5:c.*47006G>T in the primary transcript. This variant is present in population databases (rs370851951, ExAC 0.02%). In summary, the available evidence is currently insufficient to determine the role of this variant in disease. Therefore, it has been classified as a Variant of Uncertain Significance. Experimental studies and prediction algorithms are not available or were not evaluated, and the functional significance of this variant is currently unknown. This variant has not been reported in the literature in individuals with DST-related conditions.

NM_001374736.1(DST):c.13963G>T (p.Ala4655Ser)

Gene: DST (dystonin; minus strand). Cytogenetic location: 6p12.1.
Variant type: single nucleotide variant.
Coding change: c.13963G>T on transcript NM_001374736.1 (MANE Select); coding-DNA position 13963, G replaced by T.
Protein change: p.Ala4655Ser; replaces alanine 4655 with serine.
Molecular consequence: missense variant.
Genome position (GRCh38, 1-based): chr6:56,568,511, C>A on the plus strand (G>T on the coding strand, the complement: DST is on the minus strand). VCF-style: chr6-56568511-C-A. GRCh37 (hg19) VCF-style: chr6-56433309-C-A.
Other names: c.7606G>T, p.Ala2536Ser (NM_001144769.5); c.7192G>T, p.Ala2398Ser (NM_001144770.2); c.13963G>T, p.Ala4655Ser (NM_001374722.1); c.13330G>T, p.Ala4444Ser (NM_001374729.1); c.7072G>T, p.Ala2358Ser (NM_001374730.1, NM_001386100.1, NM_183380.4); c.13990G>T, p.Ala4664Ser (NM_001374734.1); c.6094G>T, p.Ala2032Ser (NM_015548.5); short protein forms A4655S, A4444S, A4664S, A2032S, A2536S, A2358S, A2398S.
Identifiers: ClinVar variation 1043071 (VCV001043071.7), dbSNP rs370851951, ClinGen allele CA3868133.
Genomic context (GRCh38, chr6:56,568,511, plus strand): 5'-TGTAAATAAAGCTCATACCTGATTTAACTGCTGCTATTGCCTTTGCAGGGGTGGTCACAG[C>A]ACTTATTAAGTTACATAGTGAGATCCCACTGTTGTTTACTTTCTGAATCTCTGGTGTTTT-3'
Protein context (NP_001361665.1, residues 4645-4665): SGISLCNLIS[Ala4655Ser]VTTPAKAIAA